The following is an entry in ClinVar:

NM_181078.3(IL21R):c.1487G>T (p.Gly496Val)

Genes: IL21R-AS1 (IL21R antisense RNA 1; minus strand), IL21R (interleukin 21 receptor; plus strand), LOC130058713 (ATAC-STARR-seq lymphoblastoid active region 10627; plus strand). Cytogenetic location: 16p12.1.
Variant type: single nucleotide variant.
Coding change: c.1487G>T on transcript NM_181078.3 (MANE Select); coding-DNA position 1487, G replaced by T.
Protein change: p.Gly496Val; replaces glycine 496 with valine.
Molecular consequence: missense variant. On other transcripts: non-coding transcript variant (1).
Genome position (GRCh38, 1-based): chr16:27,449,153, G>T. VCF-style: chr16-27449153-G-T. GRCh37 (hg19) VCF-style: chr16-27460474-G-T.
Other names: c.1487G>T, p.Gly496Val (NM_021798.4); c.1553G>T, p.Gly518Val (NM_181079.5); short protein forms G496V, G518V.
Identifiers: ClinVar variation 1472526 (VCV001472526.5), dbSNP rs780769847, ClinGen allele CA395308980.

ClinVar aggregate classification (germline): Uncertain significance (1 of 4 stars; one submission).

Conditions:
Cryptosporidiosis-chronic cholangitis-liver disease syndrome. Also called: IL21R immunodeficiency; Immunodeficiency type 56. Identifiers: Orphanet 357329, MedGen C3554687, MONDO:0014082, OMIM 615207.

Submission:

Labcorp Genetics (formerly Invitae), Labcorp
Classification: Uncertain significance for Cryptosporidiosis-chronic cholangitis-liver disease syndrome. Last evaluated: 2022-03-03. Review status: criteria provided, single submitter. Criteria: Invitae Variant Classification Sherloc (09022015). Collection method: clinical testing. Allele origin: germline.
Comment: This sequence change replaces glycine, which is neutral and non-polar, with valine, which is neutral and non-polar, at codon 496 of the IL21R protein (p.Gly496Val). This variant is not present in population databases (gnomAD no frequency). This variant has not been reported in the literature in individuals affected with IL21R-related conditions. Algorithms developed to predict the effect of missense changes on protein structure and function are either unavailable or do not agree on the potential impact of this missense change (SIFT: "Deleterious"; PolyPhen-2: "Probably Damaging"; Align-GVGD: "Class C0"). In summary, the available evidence is currently insufficient to determine the role of this variant in disease. Therefore, it has been classified as a Variant of Uncertain Significance.